The following is an entry in ClinVar:

NM_000135.4(FANCA):c.848C>T (p.Ala283Val)

Gene: FANCA (FA complementation group A; minus strand). Cytogenetic location: 16q24.3.
Variant type: single nucleotide variant.
Coding change: c.848C>T on transcript NM_000135.4 (MANE Select); coding-DNA position 848, C replaced by T.
Protein change: p.Ala283Val; replaces alanine 283 with valine.
Molecular consequence: missense variant.
Genome position (GRCh38, 1-based): chr16:89,799,211, G>A on the plus strand (C>T on the coding strand, the complement: FANCA is on the minus strand). VCF-style: chr16-89799211-G-A. GRCh37 (hg19) VCF-style: chr16-89865619-G-A.
Other names: c.848C>T, p.Ala283Val (NM_001018112.3, NM_001286167.3); c.752C>T, p.Ala251Val (NM_001351830.2); short protein forms A251V, A283V.
Identifiers: ClinVar variation 4619291 (VCV004619291.1).
Genomic context (GRCh38, chr16:89,799,211, plus strand): 5'-CCCTCAGGAACATACCAGCACCTCACGATCTTGTGAGTGGAGGACTCCTCCTGTACTCCA[G>A]CAGCCAAAGCGTCAAGTGCAACTGAAGACAGAGCCAGGAACAGAAAACAGATGTCAGCAC-3'
Protein context (NP_000126.2, residues 273-293): MLIFALDALA[Ala283Val]GVQEESSTHK

ClinVar aggregate classification (germline): Uncertain significance (1 of 4 stars; one submission).

Conditions:
Inborn genetic diseases. Identifiers: MedGen C0950123, MeSH D030342.

gnomAD v4.1: 2 of 1,614,096 alleles (0.00012%); highest among the groups gnomAD compares: Non-Finnish European, 0.00017%; no homozygotes.

Submission:

Ambry Genetics
Classification: Uncertain significance for Inborn genetic diseases. Last evaluated: 2025-11-26. Review status: criteria provided, single submitter. Criteria: Ambry Variant Classification Scheme 2023. Collection method: clinical testing. Allele origin: germline.
Comment: The p.A283V variant (also known as c.848C>T), located in coding exon 10 of the FANCA gene, results from a C to T substitution at nucleotide position 848. The alanine at codon 283 is replaced by valine, an amino acid with similar properties. This amino acid position is conserved. In addition, this alteration is predicted to be tolerated by in silico analysis. Based on the available evidence, the clinical significance of this variant remains unclear.